The following is an entry in ClinVar:

ClinVar aggregate classification (germline): Uncertain significance. Review status: criteria provided, multiple submitters, no conflicts (2 of 4 stars). 2 submissions from 2 submitters: Uncertain significance (2). Last evaluated 2024-05-23.

Conditions:
Primary ciliary dyskinesia 27. Also called: CILIARY DYSKINESIA, PRIMARY, 27, WITHOUT SITUS INVERSUS. Identifiers: Orphanet 244, MedGen C3809701, MONDO:0014215, OMIM 615504.

Allele frequency attached by ClinVar (database versions not stated): ExAC 0.00004; gnomAD exomes 0.00004; 1000 Genomes Project 30x 0.00016; gnomAD 0.00020 and 0.00023; TOPMed 0.00021; ESP Exome Variant Server 0.00023.
gnomAD v4.1: 84 of 1,614,078 alleles (0.0052%); highest among the groups gnomAD compares: African/African-American, 0.048%; no homozygotes.

Submissions (2):

GeneDx
Classification: Uncertain significance. Last evaluated: 2024-05-23. Review status: criteria provided, single submitter. Criteria: GeneDx Variant Classification Process June 2021. Collection method: clinical testing. Allele origin: germline. Affected: yes.
Comment: In silico analysis supports that this missense variant has a deleterious effect on protein structure/function; Has not been previously published as pathogenic or benign to our knowledge

Labcorp Genetics (formerly Invitae), Labcorp
Classification: Uncertain significance for Primary ciliary dyskinesia 27. Last evaluated: 2022-07-05. Review status: criteria provided, single submitter. Criteria: Invitae Variant Classification Sherloc (09022015). Collection method: clinical testing. Allele origin: germline.
Comment: This sequence change replaces arginine, which is basic and polar, with histidine, which is basic and polar, at codon 294 of the CCDC65 protein (p.Arg294His). This variant is present in population databases (rs143876144, gnomAD 0.05%). This variant has not been reported in the literature in individuals affected with CCDC65-related conditions. ClinVar contains an entry for this variant (Variation ID: 1059049). Algorithms developed to predict the effect of missense changes on protein structure and function output the following: SIFT: "Deleterious"; PolyPhen-2: "Benign"; Align-GVGD: "Class C0". The histidine amino acid residue is found in multiple mammalian species, which suggests that this missense change does not adversely affect protein function. In summary, the available evidence is currently insufficient to determine the role of this variant in disease. Therefore, it has been classified as a Variant of Uncertain Significance.

NM_033124.5(DRC2):c.881G>A (p.Arg294His)

Gene: DRC2 (dynein regulatory complex subunit 2; plus strand). Cytogenetic location: 12q13.12.
Variant type: single nucleotide variant.
Coding change: c.881G>A on transcript NM_033124.5 (MANE Select); coding-DNA position 881, G replaced by A.
Protein change: p.Arg294His; replaces arginine 294 with histidine.
Molecular consequence: missense variant.
Genome position (GRCh38, 1-based): chr12:48,918,758, G>A. VCF-style: chr12-48918758-G-A. GRCh37 (hg19) VCF-style: chr12-49312541-G-A.
Other names: c.452G>A, p.Arg151His (NM_001286957.2); c.881G>A (NM_033124.4); short protein forms R151H, R294H.
Identifiers: ClinVar variation 1059049 (VCV001059049.7), dbSNP rs143876144, ClinGen allele CA6543366.